The following is an entry in ClinVar:

ClinVar aggregate classification (germline): Uncertain significance (1 of 4 stars; one submission).

Conditions:
Emery-Dreifuss muscular dystrophy 5, autosomal dominant (EDMD5). Also called: EMERY-DREIFUSS MUSCULAR DYSTROPHY 5. Identifiers: Orphanet 261, MedGen C2751805, MONDO:0013072, OMIM 612999.

Allele frequency attached by ClinVar (database versions not stated): gnomAD exomes below 0.00001 and 0.00002; ExAC 0.00004.
gnomAD v4.1: 5 of 1,613,684 alleles (0.00031%); highest among the groups gnomAD compares: East Asian, 0.0089%; no homozygotes.

Submission:

Labcorp Genetics (formerly Invitae), Labcorp
Classification: Uncertain significance for Emery-Dreifuss muscular dystrophy 5, autosomal dominant. Last evaluated: 2025-09-16. Review status: criteria provided, single submitter. Criteria: Invitae Variant Classification Sherloc (09022015). Collection method: clinical testing. Allele origin: germline.
Comment: This sequence change affects a donor splice site in intron 81 of the SYNE2 gene. It is expected to disrupt RNA splicing. Variants that disrupt the donor or acceptor splice site typically lead to a loss of protein function (PMID: 16199547), however the current clinical and genetic evidence is not sufficient to establish whether loss-of-function variants in SYNE2 cause disease. This variant is present in population databases (rs778511275, gnomAD 0.03%). This variant has not been reported in the literature in individuals affected with SYNE2-related conditions. ClinVar contains an entry for this variant (Variation ID: 834827). Algorithms developed to predict the effect of sequence changes on RNA splicing suggest that this variant may disrupt the consensus splice site. In summary, the available evidence is currently insufficient to determine the role of this variant in disease. Therefore, it has been classified as a Variant of Uncertain Significance.

Literature cited by the submitters: PubMed 16199547.

NM_182914.3(SYNE2):c.15159+1G>T

Gene: SYNE2 (spectrin repeat containing nuclear envelope protein 2; plus strand). Cytogenetic location: 14q23.2.
Variant type: single nucleotide variant.
Coding change: c.15159+1G>T on transcript NM_182914.3 (MANE Select); the canonical splice donor site of the intron after coding-DNA position 15159, G replaced by T.
Molecular consequence: splice donor variant.
Genome position (GRCh38, 1-based): chr14:64,141,524, G>T. VCF-style: chr14-64141524-G-T. GRCh37 (hg19) VCF-style: chr14-64608242-G-T.
Other names: c.15159+1G>T (NM_015180.6).
Identifiers: ClinVar variation 834827 (VCV000834827.8), dbSNP rs778511275, ClinGen allele CA7222985.